The following is an entry in ClinVar:

NM_003172.4(SURF1):c.838_839dup (p.Leu281fs)

Gene: SURF1 (SURF1 cytochrome c oxidase assembly factor; minus strand). Cytogenetic location: 9q34.2.
Variant type: Duplication.
Coding change: c.838_839dup on transcript NM_003172.4 (MANE Select); coding-DNA positions 838 to 839, 2 bases duplicated (GG; older notation c.838_839dupGG).
Protein change: p.Leu281fs; shifts the reading frame from leucine 281.
Molecular consequence: frameshift variant.
Genome position (GRCh38, 1-based): chr9:133,351,977-133,351,978, CC duplicated on the plus strand (GG on the coding strand, the reverse complement: SURF1 is on the minus strand). VCF-style (leftmost placement, unchanged base first): chr9-133351976-T-TCC. GRCh37 (hg19) VCF-style: chr9-136218831-T-TCC.
Other names: c.511_512dup, p.Leu172fs (NM_001280787.1); short protein forms L172fs, L281fs.
Identifiers: ClinVar variation 2703159 (VCV002703159.3), dbSNP rs781970274, ClinGen allele CA200831940.

ClinVar aggregate classification (germline): Pathogenic (1 of 4 stars; one submission).

Conditions:
Leigh syndrome (NULS). Also called: Subacute necrotizing encephalopathy; Necrotizing encephalopathy infantile subacute of Leigh; LEIGH SYNDROME, NUCLEAR; Leigh's syndrome; Leigh Disease; Leigh's necrotizing encephalopathy. Identifiers: Orphanet 506, MedGen C2931891, MONDO:0009723, OMIM 256000.

Allele frequency attached by ClinVar (database versions not stated): gnomAD exomes below 0.00001; TOPMed below 0.00001; gnomAD 0.00001.

Submission:

Labcorp Genetics (formerly Invitae), Labcorp
Classification: Pathogenic for Leigh syndrome. Last evaluated: 2023-12-14. Review status: criteria provided, single submitter. Criteria: Invitae Variant Classification Sherloc (09022015). Collection method: clinical testing. Allele origin: germline.
Comment: This sequence change results in a frameshift in the SURF1 gene (p.Leu281Aspfs*?). While this is not anticipated to result in nonsense mediated decay, it is expected to disrupt the last 20 amino acid(s) of the SURF1 protein and extend the protein by an uncertain number of additional additional amino acid residues. This variant is present in population databases (rs781970274, gnomAD 0.008%). This variant has not been reported in the literature in individuals affected with SURF1-related conditions. This variant disrupts a region of the SURF1 protein in which other variant(s) (p.Lys291*) have been determined to be pathogenic (PMID: 9837813, 25111564, 27756633). This suggests that this is a clinically significant region of the protein, and that variants that disrupt it are likely to be disease-causing. For these reasons, this variant has been classified as Pathogenic.

Literature cited by the submitters: PubMed 9837813; PubMed 25111564; PubMed 27756633.